The following is an entry in ClinVar:

ClinVar aggregate classification (germline): Uncertain significance (1 of 4 stars; one submission).

Conditions:
Chromosome 2q32-q33 deletion syndrome (GLASS). Also called: Glass syndrome; 2q33.1 deletion syndrome. Identifiers: Orphanet 251019, MedGen C2676739, MONDO:0012864, OMIM 612313.

Allele frequency attached by ClinVar (database versions not stated): gnomAD exomes below 0.00001.
gnomAD v4.1: 2 of 1,614,112 alleles (0.00012%); highest among the groups gnomAD compares: Non-Finnish European, 0.00017%; no homozygotes.

Submission:

Labcorp Genetics (formerly Invitae), Labcorp
Classification: Uncertain significance for Chromosome 2q32-q33 deletion syndrome. Last evaluated: 2021-06-14. Review status: criteria provided, single submitter. Criteria: Invitae Variant Classification Sherloc (09022015). Collection method: clinical testing. Allele origin: germline.
Comment: This sequence change replaces arginine with histidine at codon 532 of the SATB2 protein (p.Arg532His). The arginine residue is moderately conserved and there is a small physicochemical difference between arginine and histidine. In summary, the available evidence is currently insufficient to determine the role of this variant in disease. Therefore, it has been classified as a Variant of Uncertain Significance. Advanced modeling of protein sequence and biophysical properties (such as structural, functional, and spatial information, amino acid conservation, physicochemical variation, residue mobility, and thermodynamic stability) performed at Invitae indicates that this missense variant is expected to disrupt SATB2 protein function. This variant has not been reported in the literature in individuals with SATB2-related conditions. ClinVar contains an entry for this variant (Variation ID: 1044366). This variant is not present in population databases (ExAC no frequency).

NM_001172509.2(SATB2):c.1595G>A (p.Arg532His)

Gene: SATB2 (SATB homeobox 2; minus strand). Cytogenetic location: 2q33.1.
Variant type: single nucleotide variant.
Coding change: c.1595G>A on transcript NM_001172509.2 (MANE Select); coding-DNA position 1595, G replaced by A.
Protein change: p.Arg532His; replaces arginine 532 with histidine.
Molecular consequence: missense variant.
Genome position (GRCh38, 1-based): chr2:199,308,905, C>T on the plus strand (G>A on the coding strand, the complement: SATB2 is on the minus strand). VCF-style: chr2-199308905-C-T. GRCh37 (hg19) VCF-style: chr2-200173628-C-T.
Other names: c.1595G>A, p.Arg532His (NM_001172517.1, NM_015265.4); short protein forms R532H.
Identifiers: ClinVar variation 1044366 (VCV001044366.9), dbSNP rs1574492405, ClinGen allele CA350384569.
Genomic context (GRCh38, chr2:199,308,905, plus strand): 5'-CTCTCATGCTGGGGAAGGTTCAGGAAGCGACGGATGGTACAGAGGTTTTCCCAGAGGGTG[C>T]GGTTTTCTGGGCTTGGGTTCTCCTTCCAGCGGAGCAGTTCACACAGCCAGCCCTGTAGAG-3'
Protein context (NP_001165980.1, residues 522-542): RWKENPSPEN[Arg532His]TLWENLCTIR